The following is an entry in ClinVar:

ClinVar aggregate classification (germline): Uncertain significance (1 of 4 stars; one submission).

Conditions:
Von Hippel-Lindau syndrome (VHLS). Also called: Von Hippel-Lindau; von Hippel–Lindau syndrome; VHL syndrome. Identifiers: Orphanet 892, MedGen C0019562, MONDO:0008667, OMIM 193300. Disease mechanism: loss of function.
Chuvash polycythemia. Also called: POLYCYTHEMIA, VHL-DEPENDENT. Identifiers: Orphanet 238557, MedGen C1837915, MONDO:0009892, OMIM 263400.

Submission:

Labcorp Genetics (formerly Invitae), Labcorp
Classification: Uncertain significance for Von Hippel-Lindau syndrome; Chuvash polycythemia. Last evaluated: 2022-10-07. Review status: criteria provided, single submitter. Criteria: Invitae Variant Classification Sherloc (09022015). Collection method: clinical testing. Allele origin: germline.
Comment: This variant results in a copy number gain of the genomic region encompassing exon(s) 3 of the VHL gene. This region includes the termination codon of the gene. This copy number gain extends beyond the assayed region for this gene and therefore may encompass additional genes. As the precise location of this event is unknown, it may be in tandem or it may be located elsewhere in the genome. This variant has not been reported in the literature in individuals affected with VHL-related conditions. In summary, the available evidence is currently insufficient to determine the role of this variant in disease. Therefore, it has been classified as a Variant of Uncertain Significance.

NC_000003.11:g.(?_10191461)_(10191719_?)dup

Gene: VHL (von Hippel-Lindau tumor suppressor; plus strand). Cytogenetic location: 3p25.3.
Variant type: Duplication.
Identifiers: ClinVar variation 1046424 (VCV001046424.7).